The following is an entry in ClinVar:

ClinVar aggregate classification (germline): Uncertain significance (1 of 4 stars; one submission).

Allele frequency attached by ClinVar (database versions not stated): gnomAD exomes below 0.00001 and 0.00002; TOPMed 0.00001.
gnomAD v4.1: 5 of 1,609,292 alleles (0.00031%); highest among the groups gnomAD compares: Admixed American, 0.0067%; no homozygotes.

Submission:

Labcorp Genetics (formerly Invitae), Labcorp
Classification: Uncertain significance. Last evaluated: 2021-08-27. Review status: criteria provided, single submitter. Criteria: Invitae Variant Classification Sherloc (09022015). Collection method: clinical testing. Allele origin: germline.
Comment: This sequence change replaces glutamic acid with glycine at codon 65 of the PCYT1A protein (p.Glu65Gly). The glutamic acid residue is moderately conserved and there is a moderate physicochemical difference between glutamic acid and glycine. This variant is not present in population databases (ExAC no frequency). This variant has not been reported in the literature in individuals affected with PCYT1A-related conditions. Algorithms developed to predict the effect of missense changes on protein structure and function are either unavailable or do not agree on the potential impact of this missense change (SIFT: "Deleterious"; PolyPhen-2: "Benign"; Align-GVGD: "Class C0"). In summary, the available evidence is currently insufficient to determine the role of this variant in disease. Therefore, it has been classified as a Variant of Uncertain Significance.

NM_001312673.2(PCYT1A):c.194A>G (p.Glu65Gly)

Gene: PCYT1A (phosphate cytidylyltransferase 1A, choline; minus strand). Cytogenetic location: 3q29.
Variant type: single nucleotide variant.
Coding change: c.194A>G on transcript NM_001312673.2 (MANE Select); coding-DNA position 194, A replaced by G.
Protein change: p.Glu65Gly; replaces glutamic acid 65 with glycine.
Molecular consequence: missense variant.
Genome position (GRCh38, 1-based): chr3:196,257,811, T>C on the plus strand (A>G on the coding strand, the complement: PCYT1A is on the minus strand). VCF-style: chr3-196257811-T-C. GRCh37 (hg19) VCF-style: chr3-195984682-T-C.
Other names: c.194A>G, p.Glu65Gly (NM_005017.4); short protein forms E65G.
Identifiers: ClinVar variation 1015575 (VCV001015575.2), dbSNP rs1482237707, ClinGen allele CA355589747.